The following is an entry in ClinVar:

NM_007317.3(KIF22):c.199C>G (p.Arg67Gly)

Gene: KIF22 (kinesin family member 22; plus strand). Cytogenetic location: 16p11.2.
Variant type: single nucleotide variant.
Coding change: c.199C>G on transcript NM_007317.3 (MANE Select); coding-DNA position 199, C replaced by G.
Protein change: p.Arg67Gly; replaces arginine 67 with glycine.
Molecular consequence: missense variant. On other transcripts: 5 prime UTR variant (2).
Genome position (GRCh38, 1-based): chr16:29,797,021, C>G. VCF-style: chr16-29797021-C-G. GRCh37 (hg19) VCF-style: chr16-29808342-C-G.
Other names: c.-6C>G (NM_001256269.2, NM_001256270.1); short protein forms R67G.
Identifiers: ClinVar variation 1355541 (VCV001355541.8), dbSNP rs771855229, ClinGen allele CA395450182.
Genomic context (GRCh38, chr16:29,797,021, plus strand): 5'-GCTGTGCGACTGCGGCCATTTGTGGATGGAACAGCGGGAGCAAGTGATCCCCCCTGTGTG[C>G]GGGGCATGGACAGCTGCTCTCTAGAGATTGCTAACTGGAGGAACCACCAGGAGACTCTCA-3'
Protein context (NP_015556.1, residues 57-77): TAGASDPPCV[Arg67Gly]GMDSCSLEIA

ClinVar aggregate classification (germline): Uncertain significance (1 of 4 stars; one submission).

gnomAD v4.1: 1 of 1,613,222 alleles (0.000062%); highest among the groups gnomAD compares: South Asian, 0.0011%; no homozygotes.

Submission:

Labcorp Genetics (formerly Invitae), Labcorp
Classification: Uncertain significance. Last evaluated: 2023-07-10. Review status: criteria provided, single submitter. Criteria: Invitae Variant Classification Sherloc (09022015). Collection method: clinical testing. Allele origin: germline.
Comment: This sequence change replaces arginine, which is basic and polar, with glycine, which is neutral and non-polar, at codon 67 of the KIF22 protein (p.Arg67Gly). This variant is not present in population databases (gnomAD no frequency). This variant has not been reported in the literature in individuals affected with KIF22-related conditions. ClinVar contains an entry for this variant (Variation ID: 1355541). Advanced modeling of protein sequence and biophysical properties (such as structural, functional, and spatial information, amino acid conservation, physicochemical variation, residue mobility, and thermodynamic stability) performed at Invitae indicates that this missense variant is expected to disrupt KIF22 protein function. In summary, the available evidence is currently insufficient to determine the role of this variant in disease. Therefore, it has been classified as a Variant of Uncertain Significance.